The following is an entry in ClinVar:

ClinVar aggregate classification (germline): Uncertain significance. Review status: criteria provided, multiple submitters, no conflicts (2 of 4 stars). 3 submissions from 3 submitters: Uncertain significance (3). Last evaluated 2026-02-20.

Conditions:
Hereditary cancer-predisposing syndrome. Also called: Tumor predisposition; Hereditary Cancer Syndrome; Hereditary neoplastic syndrome; Neoplastic Syndromes, Hereditary. Identifiers: Orphanet 140162, MedGen C0027672, MeSH D009386, MONDO:0015356.
POLD1-related polyposis and colorectal cancer syndrome (CRCS10). Also called: Colorectal cancer 10; COLORECTAL CANCER, SUSCEPTIBILITY TO, ON CHROMOSOME 19q; Colorectal cancer, susceptibility to, 10. Identifiers: Orphanet 220460, MedGen C2675481, MONDO:0012953, OMIM 612591.

Submissions (3):

Ambry Genetics
Classification: Uncertain significance for Hereditary cancer-predisposing syndrome. Last evaluated: 2026-02-20. Review status: criteria provided, single submitter. Criteria: Ambry Variant Classification Scheme 2023. Collection method: clinical testing. Allele origin: germline.
Comment: The c.2954-2delA intronic variant, located in intron 22 of the POLD1 gene, results from a deletion of one nucleotide within intron 22 of the POLD1 gene. This nucleotide position is highly conserved in available vertebrate species. In silico splice site analysis predicts that this alteration will weaken the native splice acceptor site. Variants that disrupt the canonical splice site are expected to cause aberrant splicing, resulting in an abnormal protein or a transcript that is subject to nonsense-mediated mRNA decay. However, loss of function has not been established as a mechanism of disease. Based on the available evidence, the clinical significance of this variant remains unclear.

Labcorp Genetics (formerly Invitae), Labcorp
Classification: Uncertain significance for POLD1-related polyposis and colorectal cancer syndrome. Last evaluated: 2024-04-08. Review status: criteria provided, single submitter. Criteria: Invitae Variant Classification Sherloc (09022015). Collection method: clinical testing. Allele origin: germline.
Comment: This sequence change affects a splice site in intron 23 of the POLD1 gene. Missense variants that disrupt the 3'-5' exonuclease (proof-reading) activity of the POLD1 protein are associated with PPAP (polymerase proofreading–associated polyposis) (PMID: 23263490, 23447401). However, loss-of-function variants that result in an absent or severely disrupted POLD1 protein, and missense variants outside the exonuclease domain, are unlikely to be associated with PPAP. This variant is not present in population databases (gnomAD no frequency). This variant has not been reported in the literature in individuals affected with POLD1-related conditions. ClinVar contains an entry for this variant (Variation ID: 484362). Algorithms developed to predict the effect of sequence changes on RNA splicing suggest that this variant may disrupt the consensus splice site. In summary, the available evidence is currently insufficient to determine the role of this variant in disease. Therefore, it has been classified as a Variant of Uncertain Significance.

Quest Diagnostics Nichols Institute San Juan Capistrano
Classification: Uncertain significance. Last evaluated: 2018-04-17. Review status: criteria provided, single submitter. Criteria: Quest Diagnostics criteria. Collection method: clinical testing. Allele origin: germline.

Literature cited by the submitters: PubMed 23263490 (cited by Labcorp Genetics (formerly Invitae), Labcorp); PubMed 23447401 (cited by Labcorp Genetics (formerly Invitae), Labcorp).

NM_002691.4(POLD1):c.2954-2del

Gene: POLD1 (DNA polymerase delta 1, catalytic subunit; plus strand). Cytogenetic location: 19q13.33.
Variant type: Deletion.
Coding change: c.2954-2del on transcript NM_002691.4 (MANE Select); the canonical splice acceptor site of the intron before coding-DNA position 2954, one base deleted (A; older notation c.2954-2delA).
Molecular consequence: splice acceptor variant.
Genome position (GRCh38, 1-based): chr19:50,416,608, A deleted. VCF-style (leftmost placement, unchanged base first): chr19-50416607-CA-C. GRCh37 (hg19) VCF-style: chr19-50919864-CA-C.
Other names: c.2954-2del (NM_001256849.1); c.3032-2del (NM_001308632.1).
Identifiers: ClinVar variation 484362 (VCV000484362.10), dbSNP rs1555793399, ClinGen allele CA658658850.